The following is an entry in ClinVar:

NM_000051.4(ATM):c.-30-1_-30del

Gene: ATM (ATM serine/threonine kinase; plus strand). Cytogenetic location: 11q22.3.
Variant type: Deletion.
Coding change: c.-30-1_-30del on transcript NM_000051.4 (MANE Select); the canonical splice acceptor site of the intron before 30 bases upstream of the start codon through 30 bases upstream of the start codon, 2 bases deleted (GA; older notation c.-30-1_-30delGA).
Molecular consequence: splice acceptor variant.
Genome position (GRCh38, 1-based): chr11:108,227,594-108,227,595, GA deleted; deleting any 2 consecutive bases within chr11:108,227,593-108,227,595 gives the same sequence; the c. name uses the placement nearest the transcript's 3' end. VCF-style (leftmost placement, unchanged base first): chr11-108227592-CAG-C. GRCh37 (hg19) VCF-style: chr11-108098319-CAG-C.
Other names: c.-30-1_-30del (NM_001351834.2, NM_001351835.2, NM_001351836.2).
Identifiers: ClinVar variation 3326152 (VCV003326152.1).

ClinVar aggregate classification (germline): Uncertain significance (1 of 4 stars; one submission).

Conditions:
Hereditary cancer-predisposing syndrome. Also called: Neoplastic Syndromes, Hereditary; Tumor predisposition; Hereditary neoplastic syndrome; Hereditary Cancer Syndrome. Identifiers: Orphanet 140162, MedGen C0027672, MeSH D009386, MONDO:0015356.

Submission:

Ambry Genetics
Classification: Uncertain significance for Hereditary cancer-predisposing syndrome. Last evaluated: 2024-05-20. Review status: criteria provided, single submitter. Criteria: Ambry Variant Classification Scheme 2023. Collection method: clinical testing. Allele origin: germline.
Comment: The c.-30-2_-30-1delAG intronic variant results from a deletion of two nucleotides between positions c.-30-2 and c.-30-1 and involves the canonical splice donor site before coding exon 1 of the ATM gene. This nucleotide region is highly conserved in available vertebrate species. In silico splice site analysis predicts that this alteration will weaken the native splice acceptor site and may result in the creation or strengthening of a novel splice acceptor site. RNA studies have demonstrated that this alteration results in a splice defect; the clinical impact of this abnormal splicing is unknown at this time (Ambry internal data). Since supporting evidence is limited at this time, the clinical significance of this alteration remains unclear.